The following is an entry in ClinVar:

ClinVar aggregate classification (germline): Uncertain significance (1 of 4 stars; one submission).

Conditions:
Primary ciliary dyskinesia 30. Also called: CILIARY DYSKINESIA, PRIMARY, 30, WITH OR WITHOUT SITUS INVERSUS. Identifiers: Orphanet 244, MedGen C4015016, MONDO:0014465, OMIM 616037.

Allele frequency attached by ClinVar (database versions not stated): gnomAD exomes below 0.00001; ExAC 0.00001; 1000 Genomes Project 30x 0.00016; 1000 Genomes Project 0.00020.

Submission:

Labcorp Genetics (formerly Invitae), Labcorp
Classification: Uncertain significance for Primary ciliary dyskinesia 30. Last evaluated: 2022-02-20. Review status: criteria provided, single submitter. Criteria: Invitae Variant Classification Sherloc (09022015). Collection method: clinical testing. Allele origin: germline.
Comment: In summary, the available evidence is currently insufficient to determine the role of this variant in disease. Therefore, it has been classified as a Variant of Uncertain Significance. Algorithms developed to predict the effect of missense changes on protein structure and function are either unavailable or do not agree on the potential impact of this missense change (SIFT: "Deleterious"; PolyPhen-2: "Probably Damaging"; Align-GVGD: "Class C0"). This variant has not been reported in the literature in individuals affected with CCDC151-related conditions. This variant is present in population databases (rs557803666, gnomAD 0.003%). This sequence change replaces threonine, which is neutral and polar, with isoleucine, which is neutral and non-polar, at codon 2 of the CCDC151 protein (p.Thr2Ile).

NM_145045.5(ODAD3):c.5C>T (p.Thr2Ile)

Gene: ODAD3 (outer dynein arm docking complex subunit 3; minus strand). Cytogenetic location: 19p13.2.
Variant type: single nucleotide variant.
Coding change: c.5C>T on transcript NM_145045.5 (MANE Select); coding-DNA position 5, C replaced by T.
Protein change: p.Thr2Ile; replaces threonine 2 with isoleucine.
Molecular consequence: missense variant. On other transcripts: intron variant (1).
Genome position (GRCh38, 1-based): chr19:11,435,012, G>A on the plus strand (C>T on the coding strand, the complement: ODAD3 is on the minus strand). VCF-style: chr19-11435012-G-A. GRCh37 (hg19) VCF-style: chr19-11545833-G-A.
Other names: c.5C>T, p.Thr2Ile (NM_001302454.2); c.82+678C>T (NM_001302453.1); short protein forms T2I.
Identifiers: ClinVar variation 1682801 (VCV001682801.8), dbSNP rs557803666, ClinGen allele CA9212579.